The following is an entry in ClinVar:

NM_004036.5(ADCY3):c.2195C>T (p.Thr732Met)

Gene: ADCY3 (adenylate cyclase 3; minus strand). Cytogenetic location: 2p23.3.
Variant type: single nucleotide variant.
Coding change: c.2195C>T on transcript NM_004036.5 (MANE Select); coding-DNA position 2195, C replaced by T.
Protein change: p.Thr732Met; replaces threonine 732 with methionine.
Molecular consequence: missense variant. On other transcripts: intron variant (2).
Genome position (GRCh38, 1-based): chr2:24,828,139, G>A on the plus strand (C>T on the coding strand, the complement: ADCY3 is on the minus strand). VCF-style: chr2-24828139-G-A. GRCh37 (hg19) VCF-style: chr2-25051008-G-A.
Other names: c.2195C>T, p.Thr732Met (NM_001320613.2, NM_001377132.1); c.2261C>T, p.Thr754Met (NM_001377128.1); c.1472C>T, p.Thr491Met (NM_001377131.1); c.2172+2570C>T (NM_001377130.1); c.2173-116C>T (NM_001377129.1); c.2195C>T (NM_001320613.1); short protein forms T754M, T732M, T491M.
Identifiers: ClinVar variation 2562579 (VCV002562579.3), dbSNP rs759311730, ClinGen allele CA1553835.
Genomic context (GRCh38, chr2:24,828,139, plus strand): 5'-TTGGGGTTCTCCAGGCAGCTGCCCTCCGTTTCCATCCCTGCCGTTGCATTGCTGGGTCCC[G>A]TGTAGTACTGGAGACAGCTGAGCTGGAGGCCAGGACGGCGGGCAGGGACACACGTTCAAG-3'
Protein context (NP_004027.2, residues 722-742): VDMLSCLQYY[Thr732Met]GPSNATAGME

ClinVar aggregate classification (germline): Uncertain significance. Review status: criteria provided, multiple submitters, no conflicts (2 of 4 stars). 2 submissions from 2 submitters: Uncertain significance (2). Last evaluated 2026-02-17.

Conditions:
ADCY3-related disorder. Also called: ADCY3-related condition.
Inborn genetic diseases. Identifiers: MedGen C0950123, MeSH D030342.

Allele frequency attached by ClinVar (database versions not stated): ExAC 0.00003; TOPMed 0.00004; gnomAD 0.00005; gnomAD exomes 0.00009; 1000 Genomes Project 30x 0.00016.
gnomAD v4.1: 140 of 1,613,918 alleles (0.0087%); highest among the groups gnomAD compares: Non-Finnish European, 0.011%; no homozygotes.

Submissions (2):

PreventionGenetics, part of Exact Sciences
Classification: Uncertain significance for ADCY3-related condition. Last evaluated: 2026-02-17. Review status: criteria provided, single submitter. Criteria: ACMG Guidelines, 2015. Collection method: clinical testing. Allele origin: germline.
Comment: The ADCY3 c.2195C>T variant is predicted to result in the amino acid substitution p.Thr732Met. To our knowledge, this variant has not been reported in the literature. This variant is reported in 0.0053% of alleles in individuals of European (Non-Finnish) descent in gnomAD. At this time, the clinical significance of this variant is uncertain due to the absence of conclusive functional and genetic evidence.

Ambry Genetics
Classification: Uncertain significance for Inborn genetic diseases. Last evaluated: 2023-03-29. Review status: criteria provided, single submitter. Criteria: Ambry Variant Classification Scheme 2023. Collection method: clinical testing. Allele origin: germline.